The following is an entry in ClinVar:

ClinVar aggregate classification (germline): Uncertain significance. Review status: criteria provided, multiple submitters, no conflicts (2 of 4 stars). 2 submissions from 2 submitters: Uncertain significance (2). Last evaluated 2025-12-29.

Conditions:
Anophthalmia-microphthalmia syndrome. Also called: Anophthalmia/Microphthalmia; Anophthalmia - microphthalmia. Identifiers: Orphanet 98555, MedGen C5680330, MONDO:0020147.

Allele frequency attached by ClinVar (database versions not stated): gnomAD exomes below 0.00001; TOPMed 0.00001.
gnomAD v4.1: 7 of 1,614,154 alleles (0.00043%); highest among the groups gnomAD compares: Admixed American, 0.0017%; no homozygotes.

Submissions (2):

Labcorp Genetics (formerly Invitae), Labcorp
Classification: Uncertain significance for Anophthalmia-microphthalmia syndrome. Last evaluated: 2025-12-29. Review status: criteria provided, single submitter. Criteria: Invitae Variant Classification Sherloc (09022015). Collection method: clinical testing. Allele origin: germline.
Comment: This sequence change replaces serine, which is neutral and polar, with leucine, which is neutral and non-polar, at codon 123 of the OTX2 protein (p.Ser123Leu). This variant is not present in population databases (gnomAD no frequency). This variant has not been reported in the literature in individuals affected with OTX2-related conditions. ClinVar contains an entry for this variant (Variation ID: 1920819). An algorithm developed to predict the effect of missense changes on protein structure and function (PolyPhen-2) suggests that this variant is likely to be tolerated. In summary, the available evidence is currently insufficient to determine the role of this variant in disease. Therefore, it has been classified as a Variant of Uncertain Significance.

Blueprint Genetics
Classification: Uncertain significance. Last evaluated: 2018-11-14. Review status: criteria provided, single submitter. Criteria: ACMG Guidelines, 2015. Collection method: clinical testing. Allele origin: germline.

NM_021728.4(OTX2):c.392C>T (p.Ser131Leu)

Gene: OTX2 (orthodenticle homeobox 2; minus strand). Cytogenetic location: 14q22.3.
Variant type: single nucleotide variant.
Coding change: c.392C>T on transcript NM_021728.4 (MANE Select); coding-DNA position 392, C replaced by T.
Protein change: p.Ser131Leu; replaces serine 131 with leucine.
Molecular consequence: missense variant. On other transcripts: non-coding transcript variant (2).
Genome position (GRCh38, 1-based): chr14:56,802,237, G>A on the plus strand (C>T on the coding strand, the complement: OTX2 is on the minus strand). VCF-style: chr14-56802237-G-A. GRCh37 (hg19) VCF-style: chr14-57268955-G-A.
Other names: c.368C>T, p.Ser123Leu (NM_001270523.2, NM_001270524.2, NM_172337.3); c.392C>T, p.Ser131Leu (NM_001270525.2); short protein forms S123L, S131L.
Identifiers: ClinVar variation 1920819 (VCV001920819.6), dbSNP rs970116042, ClinGen allele CA261910284.
Genomic context (GRCh38, chr14:56,802,237, plus strand): 5'-GCAATGGTCGGGACTGAGGTGCTAGAGGGGGGAGTGAATTGGCCACTTGTTCCACTCTCT[G>A]AACTCACTTCCCGAGCTGGAGATGTCTTCTTTTTGGCAGGTCTCACTTTGTTTTGACCTC-3'
Protein context (NP_068374.1, residues 121-141): KKTSPAREVS[Ser131Leu]ESGTSGQFTP